The following is an entry in ClinVar:

ClinVar aggregate classification (germline): Uncertain significance (1 of 4 stars; one submission).

Conditions:
Hereditary sensory neuropathy-deafness-dementia syndrome. Also called: HSN IE; Hereditary sensory neuropathy type IE; NEUROPATHY, HEREDITARY SENSORY, WITH HEARING LOSS AND DEMENTIA; Hereditary Sensory and Autonomic Neuropathy Type 1E (HSAN1E). Identifiers: Orphanet 456318, MedGen C3279885, MONDO:0013584, OMIM 614116.

Submission:

Labcorp Genetics (formerly Invitae), Labcorp
Classification: Uncertain significance for Hereditary sensory neuropathy-deafness-dementia syndrome. Last evaluated: 2022-03-18. Review status: criteria provided, single submitter. Criteria: Invitae Variant Classification Sherloc (09022015). Collection method: clinical testing. Allele origin: germline.
Comment: This variant is not present in population databases (gnomAD no frequency). This sequence change replaces glycine, which is neutral and non-polar, with arginine, which is basic and polar, at codon 1313 of the DNMT1 protein (p.Gly1313Arg). This variant has not been reported in the literature in individuals affected with DNMT1-related conditions. Algorithms developed to predict the effect of missense changes on protein structure and function are either unavailable or do not agree on the potential impact of this missense change (SIFT: "Deleterious"; PolyPhen-2: "Probably Damaging"; Align-GVGD: "Class C15"). In summary, the available evidence is currently insufficient to determine the role of this variant in disease. Therefore, it has been classified as a Variant of Uncertain Significance.

NM_001130823.3(DNMT1):c.3937G>C (p.Gly1313Arg)

Gene: DNMT1 (DNA methyltransferase 1; minus strand). Cytogenetic location: 19p13.2.
Variant type: single nucleotide variant.
Coding change: c.3937G>C on transcript NM_001130823.3 (MANE Select); coding-DNA position 3937, G replaced by C.
Protein change: p.Gly1313Arg; replaces glycine 1313 with arginine.
Molecular consequence: missense variant.
Genome position (GRCh38, 1-based): chr19:10,139,687, C>G on the plus strand (G>C on the coding strand, the complement: DNMT1 is on the minus strand). VCF-style: chr19-10139687-C-G. GRCh37 (hg19) VCF-style: chr19-10250363-C-G.
Other names: c.3889G>C, p.Gly1297Arg (NM_001318730.2, NM_001379.4); c.3574G>C, p.Gly1192Arg (NM_001318731.2); short protein forms G1192R, G1297R, G1313R.
Identifiers: ClinVar variation 2113779 (VCV002113779.4), dbSNP rs767041788, ClinGen allele CA403972155.